The following is an entry in ClinVar:

ClinVar aggregate classification (germline): Conflicting classifications of pathogenicity. Review status: criteria provided, conflicting classifications (1 of 4 stars). 2 submissions from 2 submitters: Likely pathogenic (1); Uncertain significance (1). Last evaluated 2023-03-01.

Conditions:
Spastic ataxia. Identifiers: Orphanet 316226, MedGen C1849156, MONDO:0017845, HP:0002497.
Autosomal dominant cerebellar ataxia, deafness and narcolepsy. Also called: Autosomal Dominant Cerebellar Ataxia, Deafness, and Narcolepsy (ADCA-DN). Identifiers: Orphanet 314404, MedGen C4302668, MONDO:0011397, OMIM 604121.

Allele frequency attached by ClinVar (database versions not stated): gnomAD 0.00001.
gnomAD v4.1: 1 of 1,613,918 alleles (0.000062%); highest among the groups gnomAD compares: Non-Finnish European, 0.000085%; no homozygotes.

Submissions (2):

Neuberg Centre For Genomic Medicine, NCGM
Classification: Uncertain significance for Autosomal dominant cerebellar ataxia, deafness and narcolepsy. Last evaluated: 2023-03-01. Review status: criteria provided, single submitter. Criteria: ACMG Guidelines, 2015. Collection method: clinical testing. Allele origin: germline. Inheritance: Autosomal dominant inheritance. Affected: yes.
Comment: The missense variant c.3311C>T(p.Ala1104Val) in DNMT1 gene has not been reported previously as a pathogenic variant nor as a benign variant, to our knowledge. The variant is novel (not in any individuals) in gnomAD Exomes and 1000 Genomes. This variant has been reported to the ClinVar database as Likely Pathogenic. However, no details are available for independent assessment. The amino acid Alanine at position 1104 is changed to a Valine changing protein sequence and it might alter its composition and physico-chemical properties. The amino acid change p.Ala1104Val in DNMT1 is predicted as conserved by GERP++ and PhyloP across 100 vertebrates. For these reasons, this variant has been classified as Uncertain Significance.

Molecular Medicine for Neurodegenerative and Neuromuscular Diseases Unit, IRCCS Fondazione Stella Maris
Classification: Likely pathogenic for Spastic ataxia. Last evaluated: 2021-07-12. Review status: criteria provided, single submitter. Criteria: ACMG Guidelines, 2015. Collection method: research. Allele origin: unknown. Affected: yes.

NM_001130823.3(DNMT1):c.3311C>T (p.Ala1104Val)

Gene: DNMT1 (DNA methyltransferase 1; minus strand). Cytogenetic location: 19p13.2.
Variant type: single nucleotide variant.
Coding change: c.3311C>T on transcript NM_001130823.3 (MANE Select); coding-DNA position 3311, C replaced by T.
Protein change: p.Ala1104Val; replaces alanine 1104 with valine.
Molecular consequence: missense variant.
Genome position (GRCh38, 1-based): chr19:10,141,188, G>A on the plus strand (C>T on the coding strand, the complement: DNMT1 is on the minus strand). VCF-style: chr19-10141188-G-A. GRCh37 (hg19) VCF-style: chr19-10251864-G-A.
Other names: c.3263C>T, p.Ala1088Val (NM_001318730.2, NM_001379.4); c.2948C>T, p.Ala983Val (NM_001318731.2); short protein forms A1088V, A1104V, A983V.
Identifiers: ClinVar variation 1027465 (VCV001027465.2), dbSNP rs2089593597, ClinGen allele CA403974496.